The following is an entry in ClinVar:

NM_001377.3(DYNC2H1):c.5586T>A (p.Tyr1862Ter)

Gene: DYNC2H1 (dynein cytoplasmic 2 heavy chain 1; plus strand). Cytogenetic location: 11q22.3.
Variant type: single nucleotide variant.
Coding change: c.5586T>A on transcript NM_001377.3 (MANE Select); coding-DNA position 5586, T replaced by A.
Protein change: p.Tyr1862Ter; replaces tyrosine 1862 with a stop codon.
Molecular consequence: nonsense.
Genome position (GRCh38, 1-based): chr11:103,174,082, T>A. VCF-style: chr11-103174082-T-A. GRCh37 (hg19) VCF-style: chr11-103044811-T-A.
Other names: c.5586T>A, p.Tyr1862Ter (NM_001080463.2); short protein forms Y1862*.
Identifiers: ClinVar variation 3708479 (VCV003708479.2).
Genomic context (GRCh38, chr11:103,174,082, plus strand): 5'-TTTGATGTGTTGATTTCCATGTCTCTATTTCAGGGAACTTTTGACACCTCAGCAACATTA[T>A]GATTGGGGTTTGAGAGCTTTGAAGACAGTTCTGAGAGGAAGTGGAAATCTCCTTAGACAG-3'

ClinVar aggregate classification (germline): Pathogenic (1 of 4 stars; one submission).

Conditions:
Jeune thoracic dystrophy. Also called: Jeune syndrome; Infantile thoracic dystrophy; Thoracic pelvic phalangeal dystrophy; Jeune's syndrome; Chondroectodermal dysplasia-like syndrome; Short-rib thoracic dysplasia. Identifiers: Orphanet 474, MedGen C0265275, MONDO:0018770.

gnomAD v4.1: 2 of 1,589,792 alleles (0.00013%); highest among the groups gnomAD compares: African/African-American, 0.0013%; no homozygotes.

Submission:

Labcorp Genetics (formerly Invitae), Labcorp
Classification: Pathogenic for Jeune thoracic dystrophy. Last evaluated: 2024-02-23. Review status: criteria provided, single submitter. Criteria: Invitae Variant Classification Sherloc (09022015). Collection method: clinical testing. Allele origin: germline.
Comment: This sequence change creates a premature translational stop signal (p.Tyr1862*) in the DYNC2H1 gene. It is expected to result in an absent or disrupted protein product. Loss-of-function variants in DYNC2H1 are known to be pathogenic (PMID: 23339108, 32753734, 33755199). The frequency data for this variant in the population databases is considered unreliable, as metrics indicate poor data quality at this position in the gnomAD database. This variant has not been reported in the literature in individuals affected with DYNC2H1-related conditions. For these reasons, this variant has been classified as Pathogenic.

Literature cited by the submitters: PubMed 23339108; PubMed 32753734; PubMed 33755199.